The following is an entry in ClinVar:

ClinVar aggregate classification (germline): Pathogenic (1 of 4 stars; one submission).

Allele frequency attached by ClinVar (database versions not stated): ExAC 0.00001; ESP Exome Variant Server 0.00008.
gnomAD v4.1: 1 of 1,612,876 alleles (0.000062%); no homozygotes.

Submission:

Labcorp Genetics (formerly Invitae), Labcorp
Classification: Pathogenic. Last evaluated: 2023-07-20. Review status: criteria provided, single submitter. Criteria: Invitae Variant Classification Sherloc (09022015). Collection method: clinical testing. Allele origin: germline.
Comment: For these reasons, this variant has been classified as Pathogenic. This sequence change creates a premature translational stop signal (p.Lys484*) in the TTC37 gene. It is expected to result in an absent or disrupted protein product. Loss-of-function variants in TTC37 are known to be pathogenic (PMID: 20176027, 21120949). This variant is present in population databases (rs375774582, gnomAD no frequency). This variant has not been reported in the literature in individuals affected with TTC37-related conditions. Algorithms developed to predict the effect of sequence changes on RNA splicing suggest that this variant may disrupt the consensus splice site.

Literature cited by the submitters: PubMed 20176027; PubMed 21120949.

NM_014639.4(SKIC3):c.1450A>T (p.Lys484Ter)

Gene: SKIC3 (SKI3 subunit of superkiller complex; minus strand). Cytogenetic location: 5q15.
Variant type: single nucleotide variant.
Coding change: c.1450A>T on transcript NM_014639.4 (MANE Select); coding-DNA position 1450, A replaced by T.
Protein change: p.Lys484Ter; replaces lysine 484 with a stop codon.
Molecular consequence: nonsense.
Genome position (GRCh38, 1-based): chr5:95,524,467, T>A on the plus strand (A>T on the coding strand, the complement: SKIC3 is on the minus strand). VCF-style: chr5-95524467-T-A. GRCh37 (hg19) VCF-style: chr5-94860171-T-A.
Other names: short protein forms K484*.
Identifiers: ClinVar variation 2745574 (VCV002745574.3), dbSNP rs375774582, ClinGen allele CA3347332.